The following is an entry in ClinVar:

NM_001130009.3(GEN1):c.1496T>C (p.Ile499Thr)

Gene: GEN1 (GEN1 structure-specific endonuclease; plus strand). Cytogenetic location: 2p24.2.
Variant type: single nucleotide variant.
Coding change: c.1496T>C on transcript NM_001130009.3 (MANE Select); coding-DNA position 1496, T replaced by C.
Protein change: p.Ile499Thr; replaces isoleucine 499 with threonine.
Molecular consequence: missense variant.
Genome position (GRCh38, 1-based): chr2:17,780,708, T>C. VCF-style: chr2-17780708-T-C. GRCh37 (hg19) VCF-style: chr2-17961975-T-C.
Other names: c.1496T>C, p.Ile499Thr (NM_182625.5); short protein forms I499T.
Identifiers: ClinVar variation 5022331 (VCV005022331.1).

ClinVar aggregate classification (germline): Uncertain significance (1 of 4 stars; one submission).

Submission:

Ambry Genetics
Classification: Uncertain significance. Last evaluated: 2026-08-15. Review status: criteria provided, single submitter. Criteria: Ambry Variant Classification Scheme 2023. Collection method: clinical testing. Allele origin: germline.
Comment: The p.I499T variant (also known as c.1496T>C), located in coding exon 13 of the GEN1 gene, results from a T to C substitution at nucleotide position 1496. The isoleucine at codon 499 is replaced by threonine, an amino acid with similar properties. This amino acid position is conserved. In addition, this alteration is predicted to be tolerated by in silico analysis. Based on the available evidence, the clinical significance of this variant remains unclear.